The following is an entry in ClinVar:

ClinVar aggregate classification (germline): Uncertain significance (1 of 4 stars; one submission).

Submission:

Labcorp Genetics (formerly Invitae), Labcorp
Classification: Uncertain significance. Last evaluated: 2024-11-05. Review status: criteria provided, single submitter. Criteria: Invitae Variant Classification Sherloc (09022015). Collection method: clinical testing. Allele origin: germline.
Comment: This sequence change falls in intron 13 of the TBCD gene. It does not directly change the encoded amino acid sequence of the TBCD protein. This variant is present in population databases (no rsID available, gnomAD 0.01%). This variant has not been reported in the literature in individuals affected with TBCD-related conditions. ClinVar contains an entry for this variant (Variation ID: 2168792). In summary, the available evidence is currently insufficient to determine the role of this variant in disease. Therefore, it has been classified as a Variant of Uncertain Significance.

NM_005993.5(TBCD):c.1318+13_1318+102del

Gene: TBCD (tubulin folding cofactor D). Cytogenetic location: 17q25.3.
Variant type: Deletion.
Coding change: c.1318+13_1318+102del on transcript NM_005993.5 (MANE Select); bases 13 to 102 of the intron after coding-DNA position 1318, this stretch deleted.
Molecular consequence: splice donor variant.
Genome position: GRCh38: chr17:82,814,947-82,815,036. GRCh37 (hg19): chr17:80,772,823-80,772,912.
Identifiers: ClinVar variation 2168792 (VCV002168792.3), dbSNP rs1568178105, ClinGen allele CA8861982.